The following is an entry in ClinVar:

NM_003000.3(SDHB):c.-8G>C

Gene: SDHB (succinate dehydrogenase complex iron sulfur subunit B; minus strand). Cytogenetic location: 1p36.13.
Variant type: single nucleotide variant.
Coding change: c.-8G>C on transcript NM_003000.3 (MANE Select); 8 bases upstream of the start codon, G replaced by C.
Molecular consequence: 5 prime UTR variant.
Genome position (GRCh38, 1-based): chr1:17,054,027, C>G on the plus strand (G>C on the coding strand, the complement: SDHB is on the minus strand). VCF-style: chr1-17054027-C-G. GRCh37 (hg19) VCF-style: chr1-17380522-C-G.
Other names: c.-8G>C (NM_001407361.1).
Identifiers: ClinVar variation 3572228 (VCV003572228.4).
Genomic context (GRCh38, chr1:17,054,027, plus strand): 5'-AGGGTTGTGGCCGGCAACCGGCGCCTCAAGGAGAGGGCGACCACCGCCGCCATCTTGGCT[C>G]CTGACGTCAGCCCCACCCCTTAACCCCGAGGTCGCTCTCCGCCGGTGTCCCGTCGAACAT-3'

ClinVar aggregate classification (germline): Conflicting classifications of pathogenicity. Review status: criteria provided, conflicting classifications (1 of 4 stars). 4 submissions from 4 submitters: Uncertain significance (2); Likely benign (2). Last evaluated 2026-05-04.

Conditions:
SDHB-related disorder. Also called: SDHB-related condition; SDHB-related disorders. Identifiers: MedGen CN239418.
Hereditary pheochromocytoma and paraganglioma. Also called: Hereditary pheochromocytoma-paraganglioma; Hereditary Paraganglioma-Pheochromocytoma Syndromes; Hereditary paragangliomas and pheochromocytomas. Identifiers: Orphanet 29072, MedGen C4274332, MONDO:0017366.

gnomAD v4.1: 19 of 1,606,996 alleles (0.0012%); highest among the groups gnomAD compares: Non-Finnish European, 0.0014%; no homozygotes.

Submissions (4):

PreventionGenetics, part of Exact Sciences
Classification: Likely benign for SDHB-related condition. Last evaluated: 2026-05-04. Review status: criteria provided, single submitter. Criteria: ACMG Guidelines, 2015. Collection method: clinical testing. Allele origin: germline.
Comment: This variant is classified as likely benign based on ACMG/AMP sequence variant interpretation guidelines (Richards et al. 2015 PMID: 25741868, with internal and published modifications).

Color Diagnostics, LLC DBA Color Health
Classification: Uncertain significance for Hereditary pheochromocytoma and paraganglioma. Last evaluated: 2025-06-23. Review status: criteria provided, single submitter. Criteria: ACMG Guidelines, 2015. Collection method: clinical testing. Allele origin: germline.
Comment: This variant is a G to C nucleotide change located in the 5'UTR of the SDHB gene. To our knowledge, functional studies have not been reported for this variant. This variant has not been reported in individuals affected with SDHB-related disorders in the literature. This variant has been identified in 3/271616 chromosomes in the general population by the Genome Aggregation Database (gnomAD). The available evidence is insufficient to determine the role of this variant in disease conclusively. Therefore, this variant is classified as a Variant of Uncertain Significance.

Department of Pathology and Laboratory Medicine, Sinai Health System
Classification: Likely benign for hereditary pheochromocytoma-paraganglioma. Last evaluated: 2024-08-19. Review status: criteria provided, single submitter. Criteria: ACMG Guidelines, 2015. Collection method: clinical testing. Allele origin: germline.

Quest Diagnostics Nichols Institute San Juan Capistrano
Classification: Uncertain significance. Last evaluated: 2024-08-09. Review status: criteria provided, single submitter. Criteria: Quest Diagnostics criteria. Collection method: clinical testing. Allele origin: unknown.
Comment: The SDHB c.-8G>C variant has not been reported in individuals with SDHB-related conditions in the published literature. The frequency of this variant in the general population, 0.000024 (3/123516 chromosomes (Genome Aggregation Database)), is uninformative in the assessment of its pathogenicity. Analysis of this variant using software algorithms for the prediction of the effect of nucleotide changes on splicing yielded predictions that this variant does not affect SDHB mRNA splicing. Based on the available information, we are unable to determine the clinical significance of this variant.